The following is an entry in ClinVar:

NM_000465.4(BARD1):c.807T>G (p.Ser269=)

Gene: BARD1 (BRCA1 associated RING domain 1; minus strand). Cytogenetic location: 2q35.
Variant type: single nucleotide variant.
Coding change: c.807T>G on transcript NM_000465.4 (MANE Select); coding-DNA position 807, T replaced by G.
Protein change: p.Ser269=; no amino-acid change (serine 269 retained).
Molecular consequence: synonymous variant. On other transcripts: non-coding transcript variant (2), intron variant (3).
Genome position (GRCh38, 1-based): chr2:214,781,067, A>C on the plus strand (T>G on the coding strand, the complement: BARD1 is on the minus strand). VCF-style: chr2-214781067-A-C. GRCh37 (hg19) VCF-style: chr2-215645791-A-C.
Other names: c.750T>G, p.Ser250= (NM_001282543.2); c.158+28345T>G (NM_001282548.2); c.215+15994T>G (NM_001282545.2); c.364+11230T>G (NM_001282549.2).
Identifiers: ClinVar variation 479192 (VCV000479192.12), dbSNP rs1420328641, ClinGen allele CA431390477.
Genomic context (GRCh38, chr2:214,781,067, plus strand): 5'-TGGAGACTCTATTTGCTCAGCCAATGGTAAAGAGACTTCAGTTAAACTTCCAAAACATTC[A>C]GATTCTGTCAAGGAGCCACTTGCTAGTAAGTCTATTTCACCATTTATCTGAGGACTGGAG-3'
Protein context (NP_000456.2, residues 259-279): DLLASGSLTE[Ser269=]ECFGSLTEVS

ClinVar aggregate classification (germline): Benign/Likely benign. Review status: criteria provided, multiple submitters, no conflicts (2 of 4 stars). 3 submissions from 3 submitters: Benign (1); Likely benign (2). Last evaluated 2024-07-23.

Conditions:
Hereditary cancer-predisposing syndrome. Also called: Neoplastic Syndromes, Hereditary; Hereditary Cancer Syndrome; Hereditary neoplastic syndrome; Tumor predisposition. Identifiers: Orphanet 140162, MedGen C0027672, MeSH D009386, MONDO:0015356.
Familial cancer of breast. Also called: BREAST CANCER, FAMILIAL; hereditary breast carcinoma; Hereditary breast cancer. Identifiers: Orphanet 227535, MedGen C0346153, MONDO:0016419, OMIM 114480. Disease mechanism: loss of function.

Allele frequency attached by ClinVar (database versions not stated): gnomAD 0.00001.
gnomAD v4.1: 2 of 1,602,560 alleles (0.00012%); highest among the groups gnomAD compares: African/African-American, 0.0013%; no homozygotes.

Submissions (3):

Myriad Genetics, Inc.
Classification: Benign for Familial cancer of breast. Last evaluated: 2024-07-23. Review status: criteria provided, single submitter. Criteria: Myriad Autosomal Dominant, Autosomal Recessive and X-Linked Classification Criteria (2023). Collection method: clinical testing. Allele origin: unknown.
Comment: This variant is considered benign. This variant is a silent/synonymous amino acid change and it is not expected to impact splicing.

Labcorp Genetics (formerly Invitae), Labcorp
Classification: Likely benign for Familial cancer of breast. Last evaluated: 2024-02-08. Review status: criteria provided, single submitter. Criteria: Invitae Variant Classification Sherloc (09022015). Collection method: clinical testing. Allele origin: germline.

Ambry Genetics
Classification: Likely benign for Hereditary cancer-predisposing syndrome. Last evaluated: 2017-09-15. Review status: criteria provided, single submitter. Criteria: Ambry Variant Classification Scheme 2023. Collection method: clinical testing. Allele origin: germline.